The following is an entry in ClinVar:

NM_016038.4(SBDS):c.160C>G (p.His54Asp)

Gene: SBDS (SBDS ribosome maturation factor; minus strand). Cytogenetic location: 7q11.21.
Variant type: single nucleotide variant.
Coding change: c.160C>G on transcript NM_016038.4 (MANE Select); coding-DNA position 160, C replaced by G.
Protein change: p.His54Asp; replaces histidine 54 with aspartic acid.
Molecular consequence: missense variant.
Genome position (GRCh38, 1-based): chr7:66,994,310, G>C on the plus strand (C>G on the coding strand, the complement: SBDS is on the minus strand). VCF-style: chr7-66994310-G-C. GRCh37 (hg19) VCF-style: chr7-66459297-G-C.
Other names: short protein forms H54D.
Identifiers: ClinVar variation 4864070 (VCV004864070.1).

ClinVar aggregate classification (germline): Uncertain significance (1 of 4 stars; one submission).

Conditions:
Inborn genetic diseases. Identifiers: MedGen C0950123, MeSH D030342.

Submission:

Ambry Genetics
Classification: Uncertain significance for Inborn genetic diseases. Last evaluated: 2026-05-27. Review status: criteria provided, single submitter. Criteria: Ambry Variant Classification Scheme 2023. Collection method: clinical testing. Allele origin: germline.
Comment: The p.H54D variant (also known as c.160C>G), located in coding exon 2 of the SBDS gene, results from a C to G substitution at nucleotide position 160. The histidine at codon 54 is replaced by aspartic acid, an amino acid with similar properties. This amino acid position is conserved. In addition, this alteration is predicted to be deleterious by in silico analysis. Based on the available evidence, the clinical significance of this variant remains unclear.